The following is an entry in ClinVar:

NM_004984.4(KIF5A):c.970G>A (p.Ala324Thr)

Gene: KIF5A (kinesin family member 5A; plus strand). Cytogenetic location: 12q13.3.
Variant type: single nucleotide variant.
Coding change: c.970G>A on transcript NM_004984.4 (MANE Select); coding-DNA position 970, G replaced by A.
Protein change: p.Ala324Thr; replaces alanine 324 with threonine.
Molecular consequence: missense variant.
Genome position (GRCh38, 1-based): chr12:57,569,536, G>A. VCF-style: chr12-57569536-G-A. GRCh37 (hg19) VCF-style: chr12-57963319-G-A.
Other names: c.703G>A, p.Ala235Thr (NM_001354705.2); short protein forms A235T, A324T.
Identifiers: ClinVar variation 1424099 (VCV001424099.6), dbSNP rs1882179319, ClinGen allele CA385502159.

ClinVar aggregate classification (germline): Uncertain significance (1 of 4 stars; one submission).

Conditions:
Spastic paraplegia. Identifiers: MedGen C0037772, HP:0001258.

Submission:

Labcorp Genetics (formerly Invitae), Labcorp
Classification: Uncertain significance for Spastic paraplegia. Last evaluated: 2022-06-20. Review status: criteria provided, single submitter. Criteria: Invitae Variant Classification Sherloc (09022015). Collection method: clinical testing. Allele origin: germline.
Comment: In summary, the available evidence is currently insufficient to determine the role of this variant in disease. Therefore, it has been classified as a Variant of Uncertain Significance. Algorithms developed to predict the effect of missense changes on protein structure and function (SIFT, PolyPhen-2, Align-GVGD) all suggest that this variant is likely to be disruptive. This variant has not been reported in the literature in individuals affected with KIF5A-related conditions. This variant is not present in population databases (gnomAD no frequency). This sequence change replaces alanine, which is neutral and non-polar, with threonine, which is neutral and polar, at codon 324 of the KIF5A protein (p.Ala324Thr).